The following is an entry in ClinVar:

NM_000784.4(CYP27A1):c.115A>T (p.Lys39Ter)

Gene: CYP27A1 (cytochrome P450 family 27 subfamily A member 1; plus strand). Cytogenetic location: 2q35.
Variant type: single nucleotide variant.
Coding change: c.115A>T on transcript NM_000784.4 (MANE Select); coding-DNA position 115, A replaced by T.
Protein change: p.Lys39Ter; replaces lysine 39 with a stop codon.
Molecular consequence: nonsense.
Genome position (GRCh38, 1-based): chr2:218,782,297, A>T. VCF-style: chr2-218782297-A-T. GRCh37 (hg19) VCF-style: chr2-219647020-A-T.
Other names: short protein forms K39*.
Identifiers: ClinVar variation 2772668 (VCV002772668.3), dbSNP rs2470201839, ClinGen allele CA350576025.

ClinVar aggregate classification (germline): Pathogenic (1 of 4 stars; one submission).

Conditions:
Cholestanol storage disease (CTX). Also called: CTX: Cerebrotendinous xanthomatosis; CEREBRAL CHOLESTERINOSIS; Cerebrotendinous Xanthomatosis. Identifiers: Orphanet 909, MedGen C0238052, MONDO:0008948, OMIM 213700.

Submission:

Labcorp Genetics (formerly Invitae), Labcorp
Classification: Pathogenic for Cholestanol storage disease. Last evaluated: 2023-10-29. Review status: criteria provided, single submitter. Criteria: Invitae Variant Classification Sherloc (09022015). Collection method: clinical testing. Allele origin: germline.
Comment: This sequence change creates a premature translational stop signal (p.Lys39*) in the CYP27A1 gene. It is expected to result in an absent or disrupted protein product. Loss-of-function variants in CYP27A1 are known to be pathogenic (PMID: 9392430, 10775536, 26937392). This variant is not present in population databases (gnomAD no frequency). This variant has not been reported in the literature in individuals affected with CYP27A1-related conditions. For these reasons, this variant has been classified as Pathogenic.

Literature cited by the submitters: PubMed 9392430; PubMed 10775536; PubMed 26937392.